The following is an entry in ClinVar:

NM_025114.4(CEP290):c.5104C>T (p.Gln1702Ter)

Gene: CEP290 (centrosomal protein 290; minus strand). Cytogenetic location: 12q21.32.
Variant type: single nucleotide variant.
Coding change: c.5104C>T on transcript NM_025114.4 (MANE Select); coding-DNA position 5104, C replaced by T.
Protein change: p.Gln1702Ter; replaces glutamine 1702 with a stop codon.
Molecular consequence: nonsense.
Genome position (GRCh38, 1-based): chr12:88,080,304, G>A on the plus strand (C>T on the coding strand, the complement: CEP290 is on the minus strand). VCF-style: chr12-88080304-G-A. GRCh37 (hg19) VCF-style: chr12-88474081-G-A.
Other names: short protein forms Q1702*.
Identifiers: ClinVar variation 5000711 (VCV005000711.2).
Genomic context (GRCh38, chr12:88,080,304, plus strand): 5'-TAGTTGTTGGAGCTCTTGAATTTGCTTCTTTTTGAGCCTGAAGTTCAGATTTTAAACACT[G>A]TGACTCCTTTTGTGACTGGTCCAGAAGATACTTTAAATCCTCTACTTCCGCTTTTACTTT-3'

ClinVar aggregate classification (germline): Pathogenic. Review status: criteria provided, multiple submitters, no conflicts (2 of 4 stars). 2 submissions from 2 submitters: Pathogenic (2). Last evaluated 2024-11-23.

Conditions:
CEP290-related ciliopathy. Also called: CEP290 ciliopathy. Identifiers: MedGen CN305601, MONDO:0100451.
CEP290-related disorder. Also called: CEP290-related condition; CEP290-related disorders. Identifiers: MedGen CN239314.

Submissions (2):

Myriad Genetics, Inc.
Classification: Pathogenic for CEP290-related ciliopathy. Last evaluated: 2024-11-23. Review status: criteria provided, single submitter. Criteria: Myriad Autosomal Dominant, Autosomal Recessive and X-Linked Classification Criteria (2023). Collection method: clinical testing. Allele origin: unknown.
Comment: NM_025114.3(CEP290):c.5104C>T(Q1702*) is expected to be pathogenic in the context of CEP290-related disorders. This variant is predicted to lead to an abnormal or absent protein product due to the creation of a premature termination codon in CEP290, a gene where loss-of-function variants are known to be pathogenic. Please note: this variant was assessed in the context of healthy population screening.

PreventionGenetics, part of Exact Sciences
Classification: Pathogenic for CEP290-related condition. Last evaluated: 2024-11-15. Review status: criteria provided, single submitter. Criteria: ACMG Guidelines, 2015. Collection method: clinical testing. Allele origin: germline.
Comment: The CEP290 c.5104C>T variant is predicted to result in premature protein termination (p.Gln1702*). To our knowledge, this variant has not been reported in the literature or in a large population database (gnomAD), indicating this variant is rare. Nonsense variants in CEP290 are expected to be pathogenic. This variant is interpreted as pathogenic.